The following is an entry in ClinVar:

ClinVar aggregate classification (germline): Likely pathogenic (1 of 4 stars; one submission).

Conditions:
Short-rib thoracic dysplasia 6 with or without polydactyly (SRTD6). Also called: Majewski Syndrome; POLYDACTYLY WITH NEONATAL CHONDRODYSTROPHY, TYPE II; SHORT-RIB THORACIC DYSPLASIA 6 WITH POLYDACTYLY; SHORT-RIB THORACIC DYSPLASIA 6 WITHOUT POLYDACTYLY; SHORT RIB-POLYDACTYLY SYNDROME, TYPE IIA. Identifiers: MedGen C0024507, MONDO:0009894, OMIM 263520.

Submission:

Labcorp Genetics (formerly Invitae), Labcorp
Classification: Likely pathogenic for Short-rib thoracic dysplasia 6 with or without polydactyly. Last evaluated: 2022-08-15. Review status: criteria provided, single submitter. Criteria: Invitae Variant Classification Sherloc (09022015). Collection method: clinical testing. Allele origin: germline.
Comment: Other variant(s) that result in skipping of exon 15 have been determined to be pathogenic (PMID: 27530628, 29068549). This suggests that this variant may also be clinically significant and likely to be disease-causing. In summary, the currently available evidence indicates that the variant is pathogenic, but additional data are needed to prove that conclusively. Therefore, this variant has been classified as Likely Pathogenic. This variant has not been reported in the literature in individuals affected with NEK1-related conditions. This variant is a gross deletion of the genomic region encompassing exon(s) 12-15 of the NEK1 gene. This variant would be expected to be in-frame, preserving the integrity of the reading frame.

Literature cited by the submitters: PubMed 27530628; PubMed 29068549.

NC_000004.11:g.(?_170482611)_(170483367_?)del

Gene: NEK1 (NIMA related kinase 1; minus strand). Cytogenetic location: 4q33.
Variant type: Deletion.
Identifiers: ClinVar variation 2425780 (VCV002425780.3).